The following is an entry in ClinVar:

NM_001148.6(ANK2):c.10646G>A (p.Arg3549His)

Gene: ANK2 (ankyrin 2; plus strand). Cytogenetic location: 4q26.
Variant type: single nucleotide variant.
Coding change: c.10646G>A on transcript NM_001148.6 (MANE Select); coding-DNA position 10646, G replaced by A.
Protein change: p.Arg3549His; replaces arginine 3549 with histidine.
Molecular consequence: missense variant. On other transcripts: intron variant (68).
Genome position (GRCh38, 1-based): chr4:113,359,264, G>A. VCF-style: chr4-113359264-G-A. GRCh37 (hg19) VCF-style: chr4-114280420-G-A.
Other names: c.10412G>A, p.Arg3471His (NM_001386142.1); c.7046G>A, p.Arg2349His (NM_001386166.1); c.10787G>A, p.Arg3596His (NM_001386174.1); c.10763G>A, p.Arg3588His (NM_001386175.1); c.4412-1559G>A (NM_001386186.2, NM_001386148.2); c.4214-1559G>A (NM_001354269.3); c.4292-1559G>A (NM_001386187.2); c.4253-1559G>A (NM_001386147.1); and 35 more; short protein forms R3549H, R2349H, R3471H, R3588H, R3596H.
Identifiers: ClinVar variation 657012 (VCV000657012.8), dbSNP rs768351547, ClinGen allele CA3052097.
Genomic context (GRCh38, chr4:113,359,264, plus strand): 5'-CTGAGGACATCTTTGACACAAGGCCCATTTGGGATGAGTCTATTGAGACTCTGATTGAAC[G>A]CATCCCTGATGAAAATGGCCATGACCATGCTGAAGGTATTTGCCAGCCACCGGGATTCCC-3'
Protein context (NP_001139.3, residues 3539-3559): WDESIETLIE[Arg3549His]IPDENGHDHA

ClinVar aggregate classification (germline): Conflicting classifications of pathogenicity. Review status: criteria provided, conflicting classifications (1 of 4 stars). 3 submissions from 3 submitters: Uncertain significance (2); Benign (1). Last evaluated 2024-01-22.

Conditions:
Cardiovascular phenotype. Identifiers: MedGen CN230736.
Long QT syndrome (LQTS). Identifiers: MedGen C0023976, MeSH D008133, MONDO:0002442. Disease mechanism: loss of function. Inheritance: Various modes of inheritance.

Allele frequency attached by ClinVar (database versions not stated): ExAC 0.00001; gnomAD exomes 0.00002.
gnomAD v4.1: 32 of 1,613,774 alleles (0.002%); highest among the groups gnomAD compares: East Asian, 0.0089%; no homozygotes.

Submissions (3):

Women's Health and Genetics/Laboratory Corporation of America, LabCorp
Classification: Uncertain significance. Last evaluated: 2024-01-22. Review status: criteria provided, single submitter. Criteria: LabCorp Variant Classification Summary - May 2015. Collection method: clinical testing. Allele origin: germline.

Ambry Genetics
Classification: Benign for Cardiovascular phenotype. Last evaluated: 2021-10-21. Review status: criteria provided, single submitter. Criteria: Ambry Variant Classification Scheme 2023. Collection method: clinical testing. Allele origin: germline.

Labcorp Genetics (formerly Invitae), Labcorp
Classification: Uncertain significance for Long QT syndrome. Last evaluated: 2018-12-25. Review status: criteria provided, single submitter. Criteria: Invitae Variant Classification Sherloc (09022015). Collection method: clinical testing. Allele origin: germline.
Comment: In summary, the available evidence is currently insufficient to determine the role of this variant in disease. Therefore, it has been classified as a Variant of Uncertain Significance. Algorithms developed to predict the effect of missense changes on protein structure and function are either unavailable or do not agree on the potential impact of this missense change (SIFT: "Deleterious"; PolyPhen-2: "Probably Damaging"; Align-GVGD: "Class C0"). This variant has not been reported in the literature in individuals with ANK2-related conditions. This variant is present in population databases (rs768351547, ExAC 0.01%). This sequence change replaces arginine with histidine at codon 3549 of the ANK2 protein (p.Arg3549His). The arginine residue is moderately conserved and there is a small physicochemical difference between arginine and histidine.

Literature cited by the submitters: PubMed 28191889 (cited by Ambry Genetics).